The following is an entry in ClinVar:

NM_002471.4(MYH6):c.3490G>A (p.Glu1164Lys)

Gene: MYH6 (myosin heavy chain 6; minus strand). Cytogenetic location: 14q11.2.
Variant type: single nucleotide variant.
Coding change: c.3490G>A on transcript NM_002471.4 (MANE Select); coding-DNA position 3490, G replaced by A.
Protein change: p.Glu1164Lys; replaces glutamic acid 1164 with lysine.
Molecular consequence: missense variant.
Genome position (GRCh38, 1-based): chr14:23,390,299, C>T on the plus strand (G>A on the coding strand, the complement: MYH6 is on the minus strand). VCF-style: chr14-23390299-C-T. GRCh37 (hg19) VCF-style: chr14-23859508-C-T.
Other names: short protein forms E1164K.
Identifiers: ClinVar variation 1392507 (VCV001392507.8), dbSNP rs1466179689, ClinGen allele CA389006203.
Genomic context (GRCh38, chr14:23,390,299, plus strand): 5'-TGGCCTCCTCCAGGTCCCGCCGCATCTTCTGGAACTCGGCCTCGCGCTTCTTGTTCATCT[C>T]GATCTGCACGGACGTGGCCCCGCCGGCCTCTTCCAGCCGCTCGCTGATCTCCTCCAGCTC-3'
Protein context (NP_002462.2, residues 1154-1174): EAGGATSVQI[Glu1164Lys]MNKKREAEFQ

ClinVar aggregate classification (germline): Uncertain significance (1 of 4 stars; one submission).

Conditions:
Hypertrophic cardiomyopathy 14. Identifiers: MedGen C2750467, MONDO:0013197, OMIM 613251.

Allele frequency attached by ClinVar (database versions not stated): gnomAD exomes below 0.00001 and 0.00001; gnomAD 0.00001.
gnomAD v4.1: 8 of 1,603,582 alleles (0.0005%); highest among the groups gnomAD compares: African/African-American, 0.0013%; no homozygotes.

Submission:

Labcorp Genetics (formerly Invitae), Labcorp
Classification: Uncertain significance for Hypertrophic cardiomyopathy 14. Last evaluated: 2021-07-05. Review status: criteria provided, single submitter. Criteria: Invitae Variant Classification Sherloc (09022015). Collection method: clinical testing. Allele origin: germline.
Comment: This sequence change replaces glutamic acid with lysine at codon 1164 of the MYH6 protein (p.Glu1164Lys). The glutamic acid residue is weakly conserved and there is a small physicochemical difference between glutamic acid and lysine. This variant is not present in population databases (ExAC no frequency). This variant has not been reported in the literature in individuals affected with MYH6-related conditions. Algorithms developed to predict the effect of missense changes on protein structure and function are either unavailable or do not agree on the potential impact of this missense change (SIFT: "Deleterious"; PolyPhen-2: "Probably Damaging"; Align-GVGD: "Class C0"). In summary, the available evidence is currently insufficient to determine the role of this variant in disease. Therefore, it has been classified as a Variant of Uncertain Significance.